The following is an entry in ClinVar:

NM_004260.4(RECQL4):c.2078A>G (p.Gln693Arg)

Gene: RECQL4 (RecQ like helicase 4; minus strand). Cytogenetic location: 8q24.3.
Variant type: single nucleotide variant.
Coding change: c.2078A>G on transcript NM_004260.4 (MANE Select); coding-DNA position 2078, A replaced by G.
Protein change: p.Gln693Arg; replaces glutamine 693 with arginine.
Molecular consequence: missense variant. On other transcripts: non-coding transcript variant (2).
Genome position (GRCh38, 1-based): chr8:144,513,693, T>C on the plus strand (A>G on the coding strand, the complement: RECQL4 is on the minus strand). VCF-style: chr8-144513693-T-C. GRCh37 (hg19) VCF-style: chr8-145739077-T-C.
Other names: c.1946A>G, p.Gln649Arg (NM_001413033.1); c.1007A>G, p.Gln336Arg (NM_001413034.1, NM_001413035.1, NM_001413038.1 and 6 more transcripts); c.2078A>G, p.Gln693Arg (NM_001413036.1, NM_001413018.1, NM_001413019.1); c.875A>G, p.Gln292Arg (NM_001413037.1); c.2048A>G, p.Gln683Arg (NM_001413039.1); c.941A>G, p.Gln314Arg (NM_001413041.1, NM_001413027.1, NM_001413030.1 and 1 more transcripts); c.977A>G, p.Gln326Arg (NM_001413042.1); c.1982A>G, p.Gln661Arg (NM_001413017.1, NM_001413020.1); and 4 more; short protein forms Q204R, Q270R, Q314R, Q326R, Q292R, Q661R, Q683R, Q693R.
Identifiers: ClinVar variation 2973538 (VCV002973538.3), dbSNP rs1827686004, ClinGen allele CA372680045.

ClinVar aggregate classification (germline): Uncertain significance (1 of 4 stars; one submission).

Conditions:
Baller-Gerold syndrome (BGS). Also called: CRANIOSYNOSTOSIS WITH RADIAL DEFECTS. Identifiers: Orphanet 1225, MedGen C0265308, MONDO:0009039, OMIM 218600.

Allele frequency attached by ClinVar (database versions not stated): TOPMed below 0.00001.

Submission:

Labcorp Genetics (formerly Invitae), Labcorp
Classification: Uncertain significance for Baller-Gerold syndrome. Last evaluated: 2023-12-25. Review status: criteria provided, single submitter. Criteria: Invitae Variant Classification Sherloc (09022015). Collection method: clinical testing. Allele origin: germline.
Comment: This sequence change replaces glutamine, which is neutral and polar, with arginine, which is basic and polar, at codon 693 of the RECQL4 protein (p.Gln693Arg). This variant is not present in population databases (gnomAD no frequency). This variant has not been reported in the literature in individuals affected with RECQL4-related conditions. Advanced modeling of protein sequence and biophysical properties (such as structural, functional, and spatial information, amino acid conservation, physicochemical variation, residue mobility, and thermodynamic stability) performed at Invitae indicates that this missense variant is not expected to disrupt RECQL4 protein function with a negative predictive value of 80%. In summary, the available evidence is currently insufficient to determine the role of this variant in disease. Therefore, it has been classified as a Variant of Uncertain Significance.